The following is an entry in ClinVar:

NM_000632.4(ITGAM):c.2289+1G>T

Gene: ITGAM (integrin subunit alpha M; plus strand). Cytogenetic location: 16p11.2.
Variant type: single nucleotide variant.
Coding change: c.2289+1G>T on transcript NM_000632.4 (MANE Select); the canonical splice donor site of the intron after coding-DNA position 2289, G replaced by T.
Molecular consequence: splice donor variant.
Genome position (GRCh38, 1-based): chr16:31,324,783, G>T. VCF-style: chr16-31324783-G-T. GRCh37 (hg19) VCF-style: chr16-31336104-G-T.
Other names: c.2292+1G>T (NM_001145808.2).
Identifiers: ClinVar variation 2976342 (VCV002976342.3), dbSNP rs866495296, ClinGen allele CA395689493.

ClinVar aggregate classification (germline): Uncertain significance (1 of 4 stars; one submission).

Allele frequency attached by ClinVar (database versions not stated): TOPMed below 0.00001.

Submission:

Labcorp Genetics (formerly Invitae), Labcorp
Classification: Uncertain significance. Last evaluated: 2023-01-07. Review status: criteria provided, single submitter. Criteria: Invitae Variant Classification Sherloc (09022015). Collection method: clinical testing. Allele origin: germline.
Comment: This variant is not present in population databases (gnomAD no frequency). This variant has not been reported in the literature in individuals affected with ITGAM-related conditions. Algorithms developed to predict the effect of sequence changes on RNA splicing suggest that this variant may disrupt the consensus splice site. In summary, the available evidence is currently insufficient to determine the role of this variant in disease. Therefore, it has been classified as a Variant of Uncertain Significance. This sequence change affects a donor splice site in intron 18 of the ITGAM gene. It is expected to disrupt RNA splicing. Variants that disrupt the donor or acceptor splice site typically lead to a loss of protein function (PMID: 16199547), however the current clinical and genetic evidence is not sufficient to establish whether loss-of-function variants in ITGAM cause disease.

Literature cited by the submitters: PubMed 16199547.